The following is an entry in ClinVar:

NM_001378969.1(KCND3):c.1856C>T (p.Thr619Ile)

Gene: KCND3 (potassium voltage-gated channel subfamily D member 3; minus strand). Cytogenetic location: 1p13.2.
Variant type: single nucleotide variant.
Coding change: c.1856C>T on transcript NM_001378969.1 (MANE Select); coding-DNA position 1856, C replaced by T.
Protein change: p.Thr619Ile; replaces threonine 619 with isoleucine.
Molecular consequence: missense variant.
Genome position (GRCh38, 1-based): chr1:111,776,189, G>A on the plus strand (C>T on the coding strand, the complement: KCND3 is on the minus strand). VCF-style: chr1-111776189-G-A. GRCh37 (hg19) VCF-style: chr1-112318811-G-A.
Other names: c.1799C>T, p.Thr600Ile (NM_001378970.1, NM_172198.3); c.1856C>T, p.Thr619Ile (NM_004980.5); short protein forms T600I, T619I.
Identifiers: ClinVar variation 2671913 (VCV002671913.5), dbSNP rs895254433, ClinGen allele CA28896102.
Genomic context (GRCh38, chr1:111,776,189, plus strand): 5'-TTGGGGCCTGGGCTGGCAGGGGGTGGCCGACTTTCCCCCTCTGGGGTTAGCGCTGGGGGA[G>A]TGGGGATGCTGATGATGGCTGTGGTGATCTGGGATGTTTTGCAGTTTGGTCTCAGTCCGT-3'
Protein context (NP_001365898.1, residues 609-629): QITTAIISIP[Thr619Ile]PPALTPEGES

ClinVar aggregate classification (germline): Uncertain significance. Review status: criteria provided, multiple submitters, no conflicts (2 of 4 stars). 4 submissions from 3 submitters: Uncertain significance (4). Last evaluated 2026-04-28.

Conditions:
Cardiovascular phenotype. Identifiers: MedGen CN230736.
Spinocerebellar ataxia type 19/22 (SCA19). Also called: SPINOCEREBELLAR ATAXIA 19; SPINOCEREBELLAR ATAXIA 22. Identifiers: Orphanet 98772, MedGen C1846367, MONDO:0011819, OMIM 607346.
Brugada syndrome 9 (BRGDA9). Identifiers: Orphanet 130, MedGen C4225340, MONDO:0014621, OMIM 616399.

gnomAD v4.1: 12 of 1,614,252 alleles (0.00074%); highest among the groups gnomAD compares: Non-Finnish European, 0.001%; no homozygotes.

Submissions (4):

Ambry Genetics
Classification: Uncertain significance for Cardiovascular phenotype. Last evaluated: 2026-04-28. Review status: criteria provided, single submitter. Criteria: Ambry Variant Classification Scheme 2023. Collection method: clinical testing. Allele origin: germline.
Comment: The c.1856C>T (p.T619I) alteration is located in exon 8 (coding exon 7) of the KCND3 gene. This alteration results from a C to T substitution at nucleotide position 1856, causing the threonine (T) at amino acid position 619 to be replaced by an isoleucine (I). Based on data from gnomAD, the T allele has an overall frequency of <0.001% (1/251318) total alleles studied. The highest observed frequency was 0.001% (1/113630) of European (non-Finnish) alleles. Based on insufficient or conflicting evidence, the clinical significance of this alteration remains unclear.

Labcorp Genetics (formerly Invitae), Labcorp
Classification: Uncertain significance for Spinocerebellar ataxia type 19/22. Last evaluated: 2023-10-15. Review status: criteria provided, single submitter. Criteria: Invitae Variant Classification Sherloc (09022015). Collection method: clinical testing. Allele origin: germline.
Comment: This sequence change replaces threonine, which is neutral and polar, with isoleucine, which is neutral and non-polar, at codon 619 of the KCND3 protein (p.Thr619Ile). This variant is not present in population databases (gnomAD no frequency). This variant has not been reported in the literature in individuals affected with KCND3-related conditions. An algorithm developed to predict the effect of missense changes on protein structure and function (PolyPhen-2) suggests that this variant is likely to be disruptive. In summary, the available evidence is currently insufficient to determine the role of this variant in disease. Therefore, it has been classified as a Variant of Uncertain Significance.

Baylor Genetics
Classification: Uncertain significance for Brugada syndrome 9. Last evaluated: 2023-10-12. Review status: criteria provided, single submitter. Criteria: ACMG Guidelines, 2015. Collection method: clinical testing. Allele origin: unknown.

Baylor Genetics
Classification: Uncertain significance for Spinocerebellar ataxia type 19/22. Last evaluated: 2023-10-12. Review status: criteria provided, single submitter. Criteria: ACMG Guidelines, 2015. Collection method: clinical testing. Allele origin: unknown.